The following is an entry in ClinVar:

ClinVar aggregate classification (germline): Uncertain significance (1 of 4 stars; one submission).

Conditions:
MHC class II deficiency. Also called: BLS, TYPE II; Bare lymphocyte syndrome 2. Identifiers: Orphanet 572, MedGen C5447452, MONDO:0008855.

gnomAD v4.1: 1 of 1,614,192 alleles (0.000062%); no homozygotes.

Submission:

Labcorp Genetics (formerly Invitae), Labcorp
Classification: Uncertain significance for Bare lymphocyte syndrome 2. Last evaluated: 2019-05-31. Review status: criteria provided, single submitter. Criteria: Invitae Variant Classification Sherloc (09022015). Collection method: clinical testing. Allele origin: germline.
Comment: This sequence change replaces arginine with threonine at codon 497 of the RFX5 protein (p.Arg497Thr). The arginine residue is weakly conserved and there is a moderate physicochemical difference between arginine and threonine. This variant is not present in population databases (ExAC no frequency). This variant has not been reported in the literature in individuals with RFX5-related conditions. Algorithms developed to predict the effect of missense changes on protein structure and function (SIFT, PolyPhen-2, Align-GVGD) all suggest that this variant is likely to be tolerated, but these predictions have not been confirmed by published functional studies and their clinical significance is uncertain. In summary, the available evidence is currently insufficient to determine the role of this variant in disease. Therefore, it has been classified as a Variant of Uncertain Significance.

NM_001025603.2(RFX5):c.1490G>C (p.Arg497Thr)

Gene: RFX5 (regulatory factor X5; minus strand). Cytogenetic location: 1q21.3.
Variant type: single nucleotide variant.
Coding change: c.1490G>C on transcript NM_001025603.2 (MANE Select); coding-DNA position 1490, G replaced by C.
Protein change: p.Arg497Thr; replaces arginine 497 with threonine.
Molecular consequence: missense variant.
Genome position (GRCh38, 1-based): chr1:151,342,547, C>G on the plus strand (G>C on the coding strand, the complement: RFX5 is on the minus strand). VCF-style: chr1-151342547-C-G. GRCh37 (hg19) VCF-style: chr1-151315023-C-G.
Other names: c.1490G>C, p.Arg497Thr (NM_000449.4, NM_001379412.1, NM_001379413.1 and 5 more transcripts); c.1370G>C, p.Arg457Thr (NM_001379419.1, NM_001379420.1); short protein forms R497T, R457T.
Identifiers: ClinVar variation 837164 (VCV000837164.1), dbSNP rs1650547272, ClinGen allele CA341925910.